The following is an entry in ClinVar:

NM_006445.4(PRPF8):c.3300G>T (p.Arg1100Ser)

Gene: PRPF8 (pre-mRNA processing factor 8; minus strand). Cytogenetic location: 17p13.3.
Variant type: single nucleotide variant.
Coding change: c.3300G>T on transcript NM_006445.4 (MANE Select); coding-DNA position 3300, G replaced by T.
Protein change: p.Arg1100Ser; replaces arginine 1100 with serine.
Molecular consequence: missense variant.
Genome position (GRCh38, 1-based): chr17:1,673,892, C>A on the plus strand (G>T on the coding strand, the complement: PRPF8 is on the minus strand). VCF-style: chr17-1673892-C-A. GRCh37 (hg19) VCF-style: chr17-1577186-C-A.
Other names: short protein forms R1100S.
Identifiers: ClinVar variation 2126754 (VCV002126754.4), dbSNP rs1482266398, ClinGen allele CA397541906.

ClinVar aggregate classification (germline): Uncertain significance (1 of 4 stars; one submission).

Submission:

Labcorp Genetics (formerly Invitae), Labcorp
Classification: Uncertain significance. Last evaluated: 2024-10-23. Review status: criteria provided, single submitter. Criteria: Invitae Variant Classification Sherloc (09022015). Collection method: clinical testing. Allele origin: germline.
Comment: This sequence change replaces arginine, which is basic and polar, with serine, which is neutral and polar, at codon 1100 of the PRPF8 protein (p.Arg1100Ser). This variant is not present in population databases (gnomAD no frequency). This variant has not been reported in the literature in individuals affected with PRPF8-related conditions. ClinVar contains an entry for this variant (Variation ID: 2126754). An algorithm developed to predict the effect of missense changes on protein structure and function (PolyPhen-2) suggests that this variant is likely to be tolerated. In summary, the available evidence is currently insufficient to determine the role of this variant in disease. Therefore, it has been classified as a Variant of Uncertain Significance.